The following is an entry in ClinVar:

ClinVar aggregate classification (germline): Uncertain significance (1 of 4 stars; one submission).

Submission:

Women's Health and Genetics/Laboratory Corporation of America, LabCorp
Classification: Uncertain significance. Last evaluated: 2024-08-05. Review status: criteria provided, single submitter. Criteria: LabCorp Variant Classification Summary - May 2015. Collection method: clinical testing. Allele origin: germline.
Comment: Variant summary: ALPL c.226C>A (p.Gln76Lys) results in a conservative amino acid change in the encoded protein sequence. Four of five in-silico tools predict a damaging effect of the variant on protein function. The variant was absent in 249332 control chromosomes. The available data on variant occurrences in the general population are insufficient to allow any conclusion about variant significance. To our knowledge, no occurrence of c.226C>A in individuals affected with Hypophosphatasia and no experimental evidence demonstrating its impact on protein function have been reported. Additionally, at least one variant at the Gln76 residue has been reported as a pathogenic/Likely Pathogenic variant in ClinVar (Gln76Arg), suggesting that this codon may be functionally important. No submitters have cited clinical-significance assessments for this variant to ClinVar. Based on the evidence outlined above, the variant was classified as uncertain significance.

NM_000478.6(ALPL):c.226C>A (p.Gln76Lys)

Gene: ALPL (alkaline phosphatase, biomineralization associated; plus strand). Cytogenetic location: 1p36.12.
Variant type: single nucleotide variant.
Coding change: c.226C>A on transcript NM_000478.6 (MANE Select); coding-DNA position 226, C replaced by A.
Protein change: p.Gln76Lys; replaces glutamine 76 with lysine.
Molecular consequence: missense variant. On other transcripts: intron variant (1).
Genome position (GRCh38, 1-based): chr1:21,561,141, C>A. VCF-style: chr1-21561141-C-A. GRCh37 (hg19) VCF-style: chr1-21887634-C-A.
Other names: c.61C>A, p.Gln21Lys (NM_001127501.4); c.226C>A, p.Gln76Lys (NM_001369803.2, NM_001369804.2, NM_001369805.2); c.66+396C>A (NM_001177520.3); short protein forms Q21K, Q76K.
Identifiers: ClinVar variation 3366498 (VCV003366498.1).